The following is an entry in ClinVar:

ClinVar aggregate classification (germline): Uncertain significance (1 of 4 stars; one submission).

Allele frequency attached by ClinVar (database versions not stated): gnomAD exomes below 0.00001; gnomAD 0.00003; TOPMed 0.00003.
gnomAD v4.1: 6 of 1,613,800 alleles (0.00037%); highest among the groups gnomAD compares: African/African-American, 0.008%; no homozygotes.

Submission:

Labcorp Genetics (formerly Invitae), Labcorp
Classification: Uncertain significance. Last evaluated: 2022-02-06. Review status: criteria provided, single submitter. Criteria: Invitae Variant Classification Sherloc (09022015). Collection method: clinical testing. Allele origin: germline.
Comment: This sequence change replaces isoleucine, which is neutral and non-polar, with threonine, which is neutral and polar, at codon 1556 of the PCDH15 protein (p.Ile1556Thr). This variant is present in population databases (no rsID available, gnomAD 0.01%). This variant has not been reported in the literature in individuals affected with PCDH15-related conditions. Algorithms developed to predict the effect of missense changes on protein structure and function output the following: SIFT: "Tolerated"; PolyPhen-2: "Benign"; Align-GVGD: "Class C0". The threonine amino acid residue is found in multiple mammalian species, which suggests that this missense change does not adversely affect protein function. In summary, the available evidence is currently insufficient to determine the role of this variant in disease. Therefore, it has been classified as a Variant of Uncertain Significance.

NM_033056.4(PCDH15):c.4667T>C (p.Ile1556Thr)

Gene: PCDH15 (protocadherin related 15; minus strand). Cytogenetic location: 10q21.1.
Variant type: single nucleotide variant.
Coding change: c.4667T>C on transcript NM_033056.4 (MANE Plus Clinical); coding-DNA position 4667, T replaced by C.
Protein change: p.Ile1556Thr; replaces isoleucine 1556 with threonine.
Molecular consequence: missense variant. On other transcripts: intron variant (8).
Genome position (GRCh38, 1-based): chr10:53,823,059, A>G on the plus strand (T>C on the coding strand, the complement: PCDH15 is on the minus strand). VCF-style: chr10-53823059-A-G. GRCh37 (hg19) VCF-style: chr10-55582819-A-G.
Other names: c.4688T>C, p.Ile1563Thr (NM_001142763.2); c.4673T>C, p.Ile1558Thr (NM_001142764.2); c.4460T>C, p.Ile1487Thr (NM_001142765.2); c.4658T>C, p.Ile1553Thr (NM_001142766.2); c.4547T>C, p.Ile1516Thr (NM_001142767.2); c.4607T>C, p.Ile1536Thr (NM_001142768.2); c.4598T>C, p.Ile1533Thr (NM_001142773.2); c.4601T>C, p.Ile1534Thr (NM_001354404.2); and 6 more; short protein forms I1536T, I1553T, I1556T, I1534T, I1487T, I1533T, I1563T, I1516T.
Identifiers: ClinVar variation 1980509 (VCV001980509.1), dbSNP rs976555030, ClinGen allele CA207220621.